The following is an entry in ClinVar:

ClinVar aggregate classification (germline): Pathogenic/Likely pathogenic. Review status: criteria provided, multiple submitters, no conflicts (2 of 4 stars). 4 submissions from 4 submitters: Pathogenic (2); Likely pathogenic (2). Last evaluated 2025-04-21.

Conditions:
Intellectual developmental disorder, autosomal dominant 50, with behavioral abnormalities. Also called: MENTAL RETARDATION, AUTOSOMAL DOMINANT 50; Intellectual disability, autosomal dominant 50. Identifiers: MedGen C4540470, MONDO:0030916, OMIM 617787.
NAA15-related disorder.

Allele frequency attached by ClinVar (database versions not stated): gnomAD exomes below 0.00001.
gnomAD v4.1: 1 of 1,613,150 alleles (0.000062%); highest among the groups gnomAD compares: Non-Finnish European, 0.000085%; no homozygotes.

Submissions (4):

GeneDx
Classification: Pathogenic. Last evaluated: 2025-04-21. Review status: criteria provided, single submitter. Criteria: GeneDx Variant Classification Process June 2021. Collection method: clinical testing. Allele origin: germline. Affected: yes.
Comment: Reported previously as a de novo variant in a patient with a developmental disorder; however, no further clinical information was provided and the patient also harbored de novo variants in other genes (PMID: 33057194); Nonsense variant predicted to result in protein truncation or nonsense mediated decay in a gene for which loss of function is a known mechanism of disease; This variant is associated with the following publications: (PMID: 35982159, 38712024, 31130284, 33057194)

Institute of Human Genetics, University of Leipzig Medical Center
Classification: Likely pathogenic for Intellectual developmental disorder, autosomal dominant 50, with behavioral abnormalities. Last evaluated: 2023-12-13. Review status: criteria provided, single submitter. Criteria: ACMG Guidelines, 2015. Collection method: clinical testing. Allele origin: unknown. Affected: yes.
Comment: Criteria applied: PVS1,PS4_SUP

Blueprint Genetics
Classification: Pathogenic for NAA15-related disorders. Last evaluated: 2023-04-27. Review status: criteria provided, single submitter. Criteria: ACMG Guidelines, 2015. Collection method: clinical testing. Allele origin: germline. Affected: yes. Observed: 2 variant alleles.

Juno Genomics, Hangzhou Juno Genomics, Inc
Classification: Likely pathogenic for Intellectual developmental disorder, autosomal dominant 50, with behavioral abnormalities. Review status: criteria provided, single submitter. Criteria: ACMG Guidelines, 2015. Collection method: clinical testing. Allele origin: germline. Affected: yes.
Comment: Absent from controls (or at extremely low frequency if recessive) in Genome Aggregation Database, Exome Sequencing Project, 1000 Genomes Project, or Exome Aggregation Consortium.;Null variant in a gene where loss of function (LOF) is a known mechanism of disease.

NM_057175.5(NAA15):c.1645C>T (p.Arg549Ter)

Gene: NAA15 (N-alpha-acetyltransferase 15, NatA auxiliary subunit; plus strand). Cytogenetic location: 4q31.1.
Variant type: single nucleotide variant.
Coding change: c.1645C>T on transcript NM_057175.5 (MANE Select); coding-DNA position 1645, C replaced by T.
Protein change: p.Arg549Ter; replaces arginine 549 with a stop codon.
Molecular consequence: nonsense.
Genome position (GRCh38, 1-based): chr4:139,361,829, C>T. VCF-style: chr4-139361829-C-T. GRCh37 (hg19) VCF-style: chr4-140282983-C-T.
Other names: short protein forms R549*.
Identifiers: ClinVar variation 1218548 (VCV001218548.11), dbSNP rs1179904078, ClinGen allele CA358268399.
Genomic context (GRCh38, chr4:139,361,829, plus strand): 5'-TGTATGAGGAAGATTACCCTTAGATCATATGTGGACTTATTAAAACTAGAAGATGTACTT[C>T]GACAGCATCCATTTTACTTCAAGGCAGCAAGAATTGCTATAGAGATCTATTTGAAGCTTC-3'